The following is an entry in ClinVar:

NM_015409.5(EP400):c.5292G>A (p.Ala1764=)

Genes: EP400 (E1A binding protein p400; plus strand), LOC124849291 (Sharpr-MPRA regulatory region 9648; plus strand). Cytogenetic location: 12q24.33.
Variant type: single nucleotide variant.
Coding change: c.5292G>A on transcript NM_015409.5 (MANE Select); coding-DNA position 5292, G replaced by A.
Protein change: p.Ala1764=; no amino-acid change (alanine 1764 retained).
Molecular consequence: synonymous variant.
Genome position (GRCh38, 1-based): chr12:132,028,199, G>A. VCF-style: chr12-132028199-G-A. GRCh37 (hg19) VCF-style: chr12-132512744-G-A.
Identifiers: ClinVar variation 747137 (VCV000747137.6), dbSNP rs34531099, ClinGen allele CA6885983.

ClinVar aggregate classification (germline): Benign. Review status: criteria provided, multiple submitters, no conflicts (2 of 4 stars). 3 submissions from 3 submitters: Benign (2). 1 of the submissions does not count toward it. Last evaluated 2018-07-26.

Conditions:
EP400-related disorder. Also called: EP400-related condition.

Allele frequency attached by ClinVar (database versions not stated): ExAC 0.00072; 1000 Genomes Project 0.00200; gnomAD 0.00213 and 0.00230; 1000 Genomes Project 30x 0.00234; ESP Exome Variant Server 0.00238; TOPMed 0.00247.
gnomAD v4.1: 643 of 1,614,162 alleles (0.04%); highest among the groups gnomAD compares: African/African-American, 0.78%; 5 homozygotes.

Submissions (3):

Labcorp Genetics (formerly Invitae), Labcorp
Classification: Benign. Last evaluated: 2018-07-26. Review status: criteria provided, single submitter. Criteria: Invitae Variant Classification Sherloc (09022015). Collection method: clinical testing. Allele origin: germline.

Breakthrough Genomics
Classification: Benign. Review status: criteria provided, single submitter. Criteria: ACMG Guidelines, 2015. Collection method: not provided. Allele origin: germline. Inheritance: Unknown mechanism. Affected: yes.

PreventionGenetics, part of Exact Sciences
Classification: Likely benign for EP400-related condition. Last evaluated: 2019-04-29. Review status: no assertion criteria provided. Collection method: clinical testing. Allele origin: germline. Not counted in ClinVar's aggregate classification.
Comment: This variant is classified as likely benign based on ACMG/AMP sequence variant interpretation guidelines (Richards et al. 2015 PMID: 25741868, with internal and published modifications).